The following is an entry in ClinVar:

NM_005732.4(RAD50):c.1126A>G (p.Thr376Ala)

Gene: RAD50 (RAD50 double strand break repair protein; plus strand). Cytogenetic location: 5q31.1.
Variant type: single nucleotide variant.
Coding change: c.1126A>G on transcript NM_005732.4 (MANE Select); coding-DNA position 1126, A replaced by G.
Protein change: p.Thr376Ala; replaces threonine 376 with alanine.
Molecular consequence: missense variant.
Genome position (GRCh38, 1-based): chr5:132,588,761, A>G. VCF-style: chr5-132588761-A-G. GRCh37 (hg19) VCF-style: chr5-131924453-A-G.
Other names: short protein forms T376A.
Identifiers: ClinVar variation 141720 (VCV000141720.9), dbSNP rs587781962, ClinGen allele CA166226.

ClinVar aggregate classification (germline): Uncertain significance. Review status: criteria provided, multiple submitters, no conflicts (2 of 4 stars). 2 submissions from 2 submitters: Uncertain significance (2). Last evaluated 2023-08-17.

Conditions:
Hereditary cancer-predisposing syndrome. Also called: Neoplastic Syndromes, Hereditary; Tumor predisposition; Hereditary Cancer Syndrome; Hereditary neoplastic syndrome. Identifiers: Orphanet 140162, MedGen C0027672, MeSH D009386, MONDO:0015356.

Allele frequency attached by ClinVar (database versions not stated): gnomAD exomes below 0.00001; ExAC 0.00001; gnomAD 0.00001.

Submissions (2):

Labcorp Genetics (formerly Invitae), Labcorp
Classification: Uncertain significance for Hereditary cancer-predisposing syndrome. Last evaluated: 2023-08-17. Review status: criteria provided, single submitter. Criteria: Invitae Variant Classification Sherloc (09022015). Collection method: clinical testing. Allele origin: germline.
Comment: This variant has not been reported in the literature in individuals affected with RAD50-related conditions. ClinVar contains an entry for this variant (Variation ID: 141720). This sequence change replaces threonine, which is neutral and polar, with alanine, which is neutral and non-polar, at codon 376 of the RAD50 protein (p.Thr376Ala). This variant is present in population databases (rs587781962, gnomAD 0.006%). In summary, the available evidence is currently insufficient to determine the role of this variant in disease. Therefore, it has been classified as a Variant of Uncertain Significance. Advanced modeling of protein sequence and biophysical properties (such as structural, functional, and spatial information, amino acid conservation, physicochemical variation, residue mobility, and thermodynamic stability) performed at Invitae indicates that this missense variant is not expected to disrupt RAD50 protein function.

Ambry Genetics
Classification: Uncertain significance for Hereditary cancer-predisposing syndrome. Last evaluated: 2023-05-31. Review status: criteria provided, single submitter. Criteria: Ambry Variant Classification Scheme 2023. Collection method: clinical testing. Allele origin: germline.
Comment: The p.T376A variant (also known as c.1126A>G), located in coding exon 8 of the RAD50 gene, results from an A to G substitution at nucleotide position 1126. The threonine at codon 376 is replaced by alanine, an amino acid with similar properties. This amino acid position is not well conserved in available vertebrate species, and alanine is the reference amino acid in several species. In addition, this alteration is predicted to be tolerated by in silico analysis. Since supporting evidence is limited at this time, the clinical significance of this alteration remains unclear.